The following is an entry in ClinVar:

NM_020041.3(SLC2A9):c.504C>T (p.Ile168=)

Gene: SLC2A9 (solute carrier family 2 member 9; minus strand). Cytogenetic location: 4p16.1.
Variant type: single nucleotide variant.
Coding change: c.504C>T on transcript NM_020041.3 (MANE Select); coding-DNA position 504, C replaced by T.
Protein change: p.Ile168=; no amino-acid change (isoleucine 168 retained).
Molecular consequence: synonymous variant.
Genome position (GRCh38, 1-based): chr4:9,985,700, G>A on the plus strand (C>T on the coding strand, the complement: SLC2A9 is on the minus strand). VCF-style: chr4-9985700-G-A. GRCh37 (hg19) VCF-style: chr4-9987324-G-A.
Other names: p.Ile168=; c.417C>T, p.Ile139= (NM_001001290.2).
Identifiers: ClinVar variation 350236 (VCV000350236.19), dbSNP rs3733589, ClinGen allele CA2857219.

ClinVar aggregate classification (germline): Benign/Likely benign. Review status: criteria provided, multiple submitters, no conflicts (2 of 4 stars). 6 submissions from 6 submitters: Benign (5); Likely benign (1). Last evaluated 2026-02-04.

Conditions:
Hypouricemia, renal, 2. Also called: HYPOURICEMIA, RENAL, 2, AUTOSOMAL DOMINANT; HYPOURICEMIA, RENAL, 2, AUTOSOMAL RECESSIVE. Identifiers: MedGen C2677549, MONDO:0012793, OMIM 612076.

Allele frequency attached by ClinVar (database versions not stated): gnomAD 0.06921 and 0.07504; TOPMed 0.07978; ExAC 0.08640; gnomAD exomes 0.08867; 1000 Genomes Project 30x 0.15240; 1000 Genomes Project 0.15615; ESP Exome Variant Server 0.05913.
gnomAD v4.1: 90,337 of 1,613,914 alleles (5.6%); highest among the groups gnomAD compares: East Asian, 41%; 6,141 homozygotes.

Submissions (6):

Labcorp Genetics (formerly Invitae), Labcorp
Classification: Benign. Last evaluated: 2026-02-04. Review status: criteria provided, single submitter. Criteria: Invitae Variant Classification Sherloc (09022015). Collection method: clinical testing. Allele origin: germline.

Blueprint Genetics
Classification: Likely benign. Last evaluated: 2024-11-26. Review status: criteria provided, single submitter. Criteria: ACMG Guidelines, 2015. Collection method: clinical testing. Allele origin: germline.

Mayo Clinic Laboratories, Mayo Clinic
Classification: Benign. Last evaluated: 2022-03-09. Review status: criteria provided, single submitter. Criteria: ACMG Guidelines, 2015. Collection method: clinical testing. Allele origin: germline. Observed: 18 variant alleles.

GeneDx
Classification: Benign. Last evaluated: 2020-02-18. Review status: criteria provided, single submitter. Criteria: GeneDx Variant Classification Process June 2021. Collection method: clinical testing. Allele origin: germline. Affected: yes.

Illumina Laboratory Services, Illumina
Classification: Benign for Hypouricemia, renal, 2. Last evaluated: 2018-01-13. Review status: criteria provided, single submitter. Criteria: ICSL Variant Classification Criteria 13 December 2019. Collection method: clinical testing. Allele origin: germline.
Comment: This variant was observed in the ICSL laboratory as part of a predisposition screen in an ostensibly healthy population. It had not been previously curated by ICSL or reported in the Human Gene Mutation Database (HGMD: prior to June 1st, 2018), and was therefore a candidate for classification through an automated scoring system. Utilizing variant allele frequency, disease prevalence and penetrance estimates, and inheritance mode, an automated score was calculated to assess if this variant is too frequent to cause the disease. Based on the score and internal cut-off values, a variant classified as benign is not then subjected to further curation. The score for this variant resulted in a classification of benign for this disease.

Breakthrough Genomics
Classification: Benign. Review status: criteria provided, single submitter. Criteria: ACMG Guidelines, 2015. Collection method: not provided. Allele origin: germline. Inheritance: Autosomal dominant inheritance. Affected: yes.